The following is an entry in ClinVar:

NM_001267550.2(TTN):c.3817G>T (p.Glu1273Ter)

Genes: TTN (titin; minus strand), LOC101927055 (uncharacterized LOC101927055; plus strand). Cytogenetic location: 2q31.2.
Variant type: single nucleotide variant.
Coding change: c.3817G>T on transcript NM_001267550.2 (MANE Select); coding-DNA position 3817, G replaced by T.
Protein change: p.Glu1273Ter; replaces glutamic acid 1273 with a stop codon.
Molecular consequence: nonsense.
Genome position (GRCh38, 1-based): chr2:178,779,375, C>A on the plus strand (G>T on the coding strand, the complement: TTN is on the minus strand). VCF-style: chr2-178779375-C-A. GRCh37 (hg19) VCF-style: chr2-179644102-C-A.
Other names: c.3817G>T, p.Glu1273Ter (NM_001256850.1, NM_133378.4, NM_133379.5); c.3679G>T, p.Glu1227Ter (NM_003319.4, NM_133432.3, NM_133437.4); short protein forms E1273*, E1227*.
Identifiers: ClinVar variation 1351071 (VCV001351071.6), dbSNP rs2154347744, ClinGen allele CA349477921.

ClinVar aggregate classification (germline): Likely pathogenic (1 of 4 stars; one submission).

Conditions:
Dilated cardiomyopathy 1G (CMD1G). Identifiers: Orphanet 154, MedGen C1858763, MONDO:0011400, OMIM 604145.
Autosomal recessive limb-girdle muscular dystrophy type 2J (LGMDR10). Also called: Limb-girdle muscular dystrophy, type 2J; MUSCULAR DYSTROPHY, LIMB-GIRDLE, AUTOSOMAL RECESSIVE 10. Identifiers: Orphanet 140922, MedGen C1837342, MONDO:0012127, OMIM 608807.

Submission:

Labcorp Genetics (formerly Invitae), Labcorp
Classification: Likely pathogenic for Dilated cardiomyopathy 1G; Autosomal recessive limb-girdle muscular dystrophy type 2J. Last evaluated: 2024-10-28. Review status: criteria provided, single submitter. Criteria: Invitae Variant Classification Sherloc (09022015). Collection method: clinical testing. Allele origin: germline.
Comment: This sequence change creates a premature translational stop signal (p.Glu1273*) in the TTN gene. While this is not anticipated to result in nonsense mediated decay, it is expected to create a truncated TTN protein. This variant is not present in population databases (gnomAD no frequency). This variant has not been reported in the literature in individuals affected with TTN-related conditions. ClinVar contains an entry for this variant (Variation ID: 1351071). This variant is located in the Z band of TTN (PMID: 25589632). Truncating variants in this region have been reported in individuals affected with autosomal recessive centronuclear myopathy (PMID: 33449170, internal data). Truncating variants in this region have also been identified in individuals affected with autosomal dominant dilated cardiomyopathy and/or cardio-related conditions (PMID: 27869827, 32964742, internal data). In summary, the currently available evidence indicates that the variant is pathogenic, but additional data are needed to prove that conclusively. Therefore, this variant has been classified as Likely Pathogenic.

Literature cited by the submitters: PubMed 25589632; PubMed 33449170; PubMed 27869827; PubMed 32964742.